The following is an entry in ClinVar:

NM_006904.7(PRKDC):c.227T>C (p.Ile76Thr)

Gene: PRKDC (protein kinase, DNA-activated, catalytic subunit; minus strand). Cytogenetic location: 8q11.21.
Variant type: single nucleotide variant.
Coding change: c.227T>C on transcript NM_006904.7 (MANE Select); coding-DNA position 227, T replaced by C.
Protein change: p.Ile76Thr; replaces isoleucine 76 with threonine.
Molecular consequence: missense variant.
Genome position (GRCh38, 1-based): chr8:47,957,359, A>G on the plus strand (T>C on the coding strand, the complement: PRKDC is on the minus strand). VCF-style: chr8-47957359-A-G. GRCh37 (hg19) VCF-style: chr8-48869919-A-G.
Other names: c.227T>C, p.Ile76Thr (NM_001081640.2); short protein forms I76T.
Identifiers: ClinVar variation 1788923 (VCV001788923.2), dbSNP rs1219957306, ClinGen allele CA371141386.

ClinVar aggregate classification (germline): Uncertain significance (1 of 4 stars; one submission).

Allele frequency attached by ClinVar (database versions not stated): gnomAD exomes below 0.00001; gnomAD 0.00001.
gnomAD v4.1: 6 of 1,597,568 alleles (0.00038%); highest among the groups gnomAD compares: Non-Finnish European, 0.00051%; no homozygotes.

Submission:

Ambry Genetics
Classification: Uncertain significance. Last evaluated: 2022-05-12. Review status: criteria provided, single submitter. Criteria: Ambry Variant Classification Scheme 2023. Collection method: clinical testing. Allele origin: germline.
Comment: The p.I76T variant (also known as c.227T>C), located in coding exon 2 of the PRKDC gene, results from a T to C substitution at nucleotide position 227. The isoleucine at codon 76 is replaced by threonine, an amino acid with similar properties. This amino acid position is conserved. In addition, this alteration is predicted to be tolerated by in silico analysis. Since supporting evidence is limited at this time, the clinical significance of this alteration remains unclear.